The following is an entry in ClinVar:

NM_001172509.2(SATB2):c.1000G>A (p.Ala334Thr)

Gene: SATB2 (SATB homeobox 2; minus strand). Cytogenetic location: 2q33.1.
Variant type: single nucleotide variant.
Coding change: c.1000G>A on transcript NM_001172509.2 (MANE Select); coding-DNA position 1000, G replaced by A.
Protein change: p.Ala334Thr; replaces alanine 334 with threonine.
Molecular consequence: missense variant.
Genome position (GRCh38, 1-based): chr2:199,348,874, C>T on the plus strand (G>A on the coding strand, the complement: SATB2 is on the minus strand). VCF-style: chr2-199348874-C-T. GRCh37 (hg19) VCF-style: chr2-200213597-C-T.
Other names: c.1000G>A, p.Ala334Thr (NM_001172517.1, NM_015265.4); short protein forms A334T.
Identifiers: ClinVar variation 537274 (VCV000537274.11), dbSNP rs754385480, ClinGen allele CA2045980.

ClinVar aggregate classification (germline): Uncertain significance (1 of 4 stars; one submission).

Conditions:
Chromosome 2q32-q33 deletion syndrome (GLASS). Also called: Glass syndrome; 2q33.1 deletion syndrome. Identifiers: Orphanet 251019, MedGen C2676739, MONDO:0012864, OMIM 612313.

Allele frequency attached by ClinVar (database versions not stated): gnomAD exomes below 0.00001; ExAC 0.00001; gnomAD 0.00001; TOPMed 0.00001.
gnomAD v4.1: 8 of 1,613,984 alleles (0.0005%); highest among the groups gnomAD compares: African/African-American, 0.0013%; no homozygotes.

Submission:

Labcorp Genetics (formerly Invitae), Labcorp
Classification: Uncertain significance for Chromosome 2q32-q33 deletion syndrome. Last evaluated: 2025-02-15. Review status: criteria provided, single submitter. Criteria: Invitae Variant Classification Sherloc (09022015). Collection method: clinical testing. Allele origin: germline.
Comment: This sequence change replaces alanine, which is neutral and non-polar, with threonine, which is neutral and polar, at codon 334 of the SATB2 protein (p.Ala334Thr). This variant is present in population databases (rs754385480, gnomAD 0.0009%). This missense change has been observed in individual(s) with clinical features of SATB2-related conditions (internal data). ClinVar contains an entry for this variant (Variation ID: 537274). Invitae Evidence Modeling incorporating data from in vitro experimental studies (internal data) indicates that this missense variant is not expected to disrupt SATB2 function with a negative predictive value of 95%. In summary, the available evidence is currently insufficient to determine the role of this variant in disease. Therefore, it has been classified as a Variant of Uncertain Significance.